The following is an entry in ClinVar:

ClinVar aggregate classification (germline): Uncertain significance (1 of 4 stars; one submission).

Submission:

GeneDx
Classification: Uncertain significance. Last evaluated: 2022-10-28. Review status: criteria provided, single submitter. Criteria: GeneDx Variant Classification Process June 2021. Collection method: clinical testing. Allele origin: germline. Affected: yes.
Comment: Not observed at significant frequency in large population cohorts (gnomAD); In silico analysis supports that this missense variant has a deleterious effect on protein structure/function; Has not been previously published as pathogenic or benign to our knowledge

NM_003001.5(SDHC):c.56G>T (p.Ser19Ile)

Gene: SDHC (succinate dehydrogenase complex subunit C; plus strand). Cytogenetic location: 1q23.3.
Variant type: single nucleotide variant.
Coding change: c.56G>T on transcript NM_003001.5 (MANE Select); coding-DNA position 56, G replaced by T.
Protein change: p.Ser19Ile; replaces serine 19 with isoleucine.
Molecular consequence: missense variant. On other transcripts: 5 prime UTR variant (2), non-coding transcript variant (1), intron variant (4).
Genome position (GRCh38, 1-based): chr1:161,323,649, G>T. VCF-style: chr1-161323649-G-T. GRCh37 (hg19) VCF-style: chr1-161293439-G-T.
Other names: c.56G>T, p.Ser19Ile (NM_001035511.3, NM_001035512.3, NM_001278172.3 and 2 more transcripts); c.-56G>T (NM_001407119.1); c.-174G>T (NM_001407120.1); c.21-4747G>T (NM_001407116.1, NM_001407121.1, NM_001407117.1); c.20+9224G>T (NM_001035513.3); short protein forms S19I.
Identifiers: ClinVar variation 2500560 (VCV002500560.1), dbSNP rs2526332789, ClinGen allele CA343359527.
Genomic context (GRCh38, chr1:161,323,649, plus strand): 5'-GATTTTTGATTCTCTTATCTTGCAGACACGTTGGTCGTCATTGCCTCCGAGCCCACTTTA[G>T]CCCTCAGCTCTGTATCAGAAAGTAAGTTTCTAAGTCTGGAGATTATTTATTTATTTTTTT-3'
Protein context (NP_002992.1, residues 9-29): VGRHCLRAHF[Ser19Ile]PQLCIRNAVP